The following is an entry in ClinVar:

NM_000016.6(ACADM):c.698T>C (p.Ile233Thr)

Gene: ACADM (acyl-CoA dehydrogenase medium chain; plus strand). Cytogenetic location: 1p31.1.
Variant type: single nucleotide variant.
Coding change: c.698T>C on transcript NM_000016.6 (MANE Select); coding-DNA position 698, T replaced by C.
Protein change: p.Ile233Thr; replaces isoleucine 233 with threonine.
Molecular consequence: missense variant.
Genome position (GRCh38, 1-based): chr1:75,745,904, T>C. VCF-style: chr1-75745904-T-C. GRCh37 (hg19) VCF-style: chr1-76211589-T-C.
Other names: c.710T>C, p.Ile237Thr (NM_001127328.3); c.590T>C, p.Ile197Thr (NM_001286042.2); c.797T>C, p.Ile266Thr (NM_001286043.2); c.131T>C, p.Ile44Thr (NM_001286044.2); short protein forms I233T, I237T, I197T, I266T, I44T.
Identifiers: ClinVar variation 203539 (VCV000203539.28), dbSNP rs770273135, ClinGen allele CA312175.

ClinVar aggregate classification (germline): Pathogenic/Likely pathogenic. Review status: criteria provided, multiple submitters, no conflicts (2 of 4 stars). 10 submissions from 10 submitters: Pathogenic (5); Likely pathogenic (4). 1 of the submissions does not count toward it. Last evaluated 2026-01-29.

Conditions:
ACADM-related disorder. Also called: ACADM-related condition.
Hydrocephalus, nonsyndromic, autosomal recessive 2. Also called: Hydrocephalus, congenital, 2, with or without brain or eye anomalies. Identifiers: Orphanet 2185, MedGen C3554691, MONDO:0014085, OMIM 615219.
Medium-chain acyl-coenzyme A dehydrogenase deficiency (ACADMD). Also called: ACADM DEFICIENCY; CARNITINE DEFICIENCY SECONDARY TO MEDIUM-CHAIN ACYL-CoA DEHYDROGENASE DEFICIENCY; Medium chain acyl-CoA dehydrogenase deficiency; MCAD Deficiency; MCADD; MCADH DEFICIENCY. Identifiers: Orphanet 42, MedGen C0220710, MONDO:0008721, OMIM 201450.

Allele frequency attached by ClinVar (database versions not stated): gnomAD exomes 0.00002; gnomAD 0.00001; TOPMed 0.00001.
gnomAD v4.1: 38 of 1,609,494 alleles (0.0024%); highest among the groups gnomAD compares: Non-Finnish European, 0.0027%; no homozygotes.

Submissions (10):

Natera, Inc.
Classification: Likely pathogenic for Medium Chain Acyl-CoA Dehydrogenase Deficiency. Last evaluated: 2026-01-29. Review status: criteria provided, single submitter. Criteria: Natera Variant Classification Schema (03/2026). Collection method: clinical testing. Allele origin: germline.
Comment: The c.698T>C variant in ACADM is a missense variant predicted to cause substitution of isoleucine to threonine at amino acid 233. This variant is rare in the general population with a frequency below the threshold expected for the associated phenotype(s). This variant has been observed in one or more individuals affected with the associated recessive disease, as either homozygous or compound heterozygous with a second variant (PMID: 18450854, 20434380, 23028790, 33580884). Given the available evidence, this variant is classified as Likely Pathogenic.

Labcorp Genetics (formerly Invitae), Labcorp
Classification: Pathogenic for Medium-chain acyl-coenzyme A dehydrogenase deficiency. Last evaluated: 2023-10-19. Review status: criteria provided, single submitter. Criteria: Invitae Variant Classification Sherloc (09022015). Collection method: clinical testing. Allele origin: germline.
Comment: This sequence change replaces isoleucine, which is neutral and non-polar, with threonine, which is neutral and polar, at codon 233 of the ACADM protein (p.Ile233Thr). This variant is present in population databases (rs770273135, gnomAD 0.003%). This missense change has been observed in individual(s) with MCAD deficiency (PMID: 19780764, 20434380, 23028790). ClinVar contains an entry for this variant (Variation ID: 203539). Advanced modeling of protein sequence and biophysical properties (such as structural, functional, and spatial information, amino acid conservation, physicochemical variation, residue mobility, and thermodynamic stability) performed at Invitae indicates that this missense variant is not expected to disrupt ACADM protein function. Experimental studies have shown that this missense change affects ACADM function (PMID: 24966162). For these reasons, this variant has been classified as Pathogenic.

Baylor Genetics
Classification: Pathogenic for Medium-chain acyl-coenzyme A dehydrogenase deficiency. Last evaluated: 2023-09-21. Review status: criteria provided, single submitter. Criteria: ACMG Guidelines, 2015. Collection method: clinical testing. Allele origin: unknown.

Women's Health and Genetics/Laboratory Corporation of America, LabCorp
Classification: Pathogenic for Medium-chain acyl-coenzyme A dehydrogenase deficiency. Last evaluated: 2023-09-01. Review status: criteria provided, single submitter. Criteria: LabCorp Variant Classification Summary - May 2015. Collection method: clinical testing. Allele origin: germline.
Comment: Variant summary: ACADM c.698T>C (p.Ile233Thr) results in a non-conservative amino acid change located in the Acyl-CoA oxidase/dehydrogenase, middle domain (IPR006091) of the encoded protein sequence. Three of five in-silico tools predict a damaging effect of the variant on protein function. The variant allele was found at a frequency of 8e-06 in 251096 control chromosomes (gnomAD). c.698T>C has been reported in the literature in individuals affected with Medium Chain Acyl-CoA Dehydrogenase Deficiency (examples: Hsu_2008, Smith_2010, Sturm_2012, and Li_2022). These data indicate that the variant is likely to be associated with disease. At least one publication reports experimental evidence evaluating an impact on protein function. The most pronounced variant effect results in <10% of normal activity (example: Koster_2014). The following publications have been ascertained in the context of this evaluation (PMID: 20434380, 23028790, 36068006, 18450854, 24966162). Six submitters have cited clinical-significance assessments for this variant to ClinVar after 2014. All submitters classified the variant as pathogenic/likely pathogenic. Based on the evidence outlined above, the variant was classified as pathogenic.

Blueprint Genetics
Classification: Pathogenic for ACADM-related disorders. Last evaluated: 2023-06-13. Review status: criteria provided, single submitter. Criteria: ACMG Guidelines, 2015. Collection method: clinical testing. Allele origin: germline. Affected: yes. Observed: 3 variant alleles.

MGZ Medical Genetics Center
Classification: Likely pathogenic for Medium-chain acyl-coenzyme A dehydrogenase deficiency. Last evaluated: 2022-07-27. Review status: criteria provided, single submitter. Criteria: ACMG Guidelines, 2015. Collection method: clinical testing. Allele origin: germline. Affected: yes. Observed: 1 variant allele.
Comment: ACMG criteria applied: PS4_MOD, PM3, PS3_SUP, PM2_SUP, PP3

Mendelics
Classification: Pathogenic for Medium-chain acyl-coenzyme A dehydrogenase deficiency. Last evaluated: 2019-05-28. Review status: criteria provided, single submitter. Criteria: Mendelics Assertion Criteria 2017. Collection method: clinical testing. Allele origin: unknown.

ARUP Laboratories, Molecular Genetics and Genomics, ARUP Laboratories
Classification: Likely pathogenic for Hydrocephalus, nonsyndromic, autosomal recessive 2. Last evaluated: 2017-06-26. Review status: criteria provided, single submitter. Criteria: ARUP Molecular Germline Variant Investigation Process. Collection method: clinical testing. Allele origin: germline.

Eurofins Ntd Llc (ga)
Classification: Likely pathogenic. Last evaluated: 2017-01-24. Review status: criteria provided, single submitter. Criteria: EGL Classification Definitions 2015. Collection method: clinical testing. Allele origin: germline. Observed: 3 variant alleles, 3 heterozygotes.

Counsyl
Classification: Likely pathogenic for Medium-chain acyl-coenzyme A dehydrogenase deficiency. Last evaluated: 2016-12-22. Review status: no assertion criteria provided. Collection method: clinical testing. Allele origin: unknown. Not counted in ClinVar's aggregate classification.

Literature cited by the submitters: PubMed 18450854 (cited by Natera, Inc. and Women's Health and Genetics/Laboratory Corporation of America, LabCorp); PubMed 20434380 (cited by 4 submitters); PubMed 23028790 (cited by 4 submitters); PubMed 33580884 (cited by Natera, Inc.); PubMed 19780764 (cited by Labcorp Genetics (formerly Invitae), Labcorp and Counsyl); PubMed 24966162 (cited by 3 submitters); PubMed 36068006 (cited by Women's Health and Genetics/Laboratory Corporation of America, LabCorp); PubMed 11673361 (cited by Counsyl); PubMed 27308838 (cited by Counsyl).